The following is an entry in ClinVar:

ClinVar aggregate classification (germline): Pathogenic (1 of 4 stars; one submission).

Conditions:
Hereditary cancer-predisposing syndrome. Also called: Neoplastic Syndromes, Hereditary; Tumor predisposition; Hereditary Cancer Syndrome; Hereditary neoplastic syndrome. Identifiers: Orphanet 140162, MedGen C0027672, MeSH D009386, MONDO:0015356.

Submission:

Ambry Genetics
Classification: Pathogenic for Hereditary cancer-predisposing syndrome. Last evaluated: 2013-08-20. Review status: criteria provided, single submitter. Criteria: Ambry Autosomal Dominant and X-Linked criteria (10/2015). Collection method: clinical testing. Allele origin: germline. Observed: 1 variant allele.
Comment: Ã¢â‚¬â€¹The c.1550_1551insA pathogenic mutation (also known as c.1550dupA), located in coding exon 11 of the NBN gene, results from the insertion of 1 nucleotide causing a translational frameshift with a predicted alternate stop codon. Since frameshifts are typically deleterious in nature, this alteration is interpreted as a disease-causing mutation (ACMG Recommendations for Standards for Interpretation and Reporting of Sequence Variations. Revision 2007. Genet Med. 2008;10:294).

NM_002485.5(NBN):c.1550dup (p.Asn517fs)

Gene: NBN (nibrin; minus strand). Cytogenetic location: 8q21.3.
Variant type: Duplication.
Coding change: c.1550dup on transcript NM_002485.5 (MANE Select); coding-DNA position 1550, one base duplicated (A; older notation c.1550dupA).
Protein change: p.Asn517fs; shifts the reading frame from asparagine 517.
Molecular consequence: frameshift variant.
Genome position (GRCh38, 1-based): chr8:89,953,539, T duplicated on the plus strand (A on the coding strand, the reverse complement: NBN is on the minus strand); the first of 3 consecutive T bases (chr8:89,953,539-89,953,541); duplicating any one gives the same sequence. VCF-style (leftmost placement, unchanged base first): chr8-89953538-G-GT. GRCh37 (hg19) VCF-style: chr8-90965766-G-GT.
Other names: c.1304dup, p.Asn435fs (NM_001024688.3); c.1550_1551insA (NM_002485.4); short protein forms N435fs, N517fs.
Identifiers: ClinVar variation 142262 (VCV000142262.3), dbSNP rs587782344, ClinGen allele CA167910.